The following is an entry in ClinVar:

ClinVar aggregate classification (germline): Uncertain significance (1 of 4 stars; one submission).

Conditions:
Aortic valve disease 1 (AOVD1). Identifiers: MedGen C3887892, MONDO:0024523, OMIM 109730.

Submission:

Baylor Genetics
Classification: Uncertain significance for Aortic valve disease 1. Last evaluated: 2018-09-06. Review status: criteria provided, single submitter. Criteria: ACMG Guidelines, 2015. Collection method: clinical testing. Allele origin: paternal. Affected: yes.
Comment: This variant was determined to be of uncertain significance according to ACMG Guidelines, 2015 [PMID:25741868].

NM_017617.5(NOTCH1):c.5661C>G (p.Ile1887Met)

Gene: NOTCH1 (notch receptor 1; minus strand). Cytogenetic location: 9q34.3.
Variant type: single nucleotide variant.
Coding change: c.5661C>G on transcript NM_017617.5 (MANE Select); coding-DNA position 5661, C replaced by G.
Protein change: p.Ile1887Met; replaces isoleucine 1887 with methionine.
Molecular consequence: missense variant.
Genome position (GRCh38, 1-based): chr9:136,500,825, G>C on the plus strand (C>G on the coding strand, the complement: NOTCH1 is on the minus strand). VCF-style: chr9-136500825-G-C. GRCh37 (hg19) VCF-style: chr9-139395277-G-C.
Other names: short protein forms I1887M.
Identifiers: ClinVar variation 1033433 (VCV001033433.1), dbSNP rs750185397, ClinGen allele CA375637800.